The following is an entry in ClinVar:

ClinVar aggregate classification (germline): Uncertain significance (1 of 4 stars; one submission).

Conditions:
Fanconi anemia (FA). Also called: Fanconi's anemia. Identifiers: Orphanet 84, MedGen C0015625, MeSH D005199, MONDO:0019391.

Allele frequency attached by ClinVar (database versions not stated): gnomAD 0.00001; TOPMed 0.00001.
gnomAD v4.1: 15 of 1,614,026 alleles (0.00093%); highest among the groups gnomAD compares: Non-Finnish European, 0.0013%; no homozygotes.

Submission:

Labcorp Genetics (formerly Invitae), Labcorp
Classification: Uncertain significance for Fanconi anemia. Last evaluated: 2022-06-20. Review status: criteria provided, single submitter. Criteria: Invitae Variant Classification Sherloc (09022015). Collection method: clinical testing. Allele origin: germline.
Comment: This sequence change replaces glycine, which is neutral and non-polar, with serine, which is neutral and polar, at codon 292 of the SLX4 protein (p.Gly292Ser). This variant is not present in population databases (gnomAD no frequency). This missense change has been observed in individual(s) with breast cancer (PMID: 30613976). ClinVar contains an entry for this variant (Variation ID: 1022841). Algorithms developed to predict the effect of missense changes on protein structure and function are either unavailable or do not agree on the potential impact of this missense change (SIFT: "Deleterious"; PolyPhen-2: "Probably Damaging"; Align-GVGD: "Class C0"). In summary, the available evidence is currently insufficient to determine the role of this variant in disease. Therefore, it has been classified as a Variant of Uncertain Significance.

Literature cited by the submitters: PubMed 30613976.

NM_032444.4(SLX4):c.874G>A (p.Gly292Ser)

Gene: SLX4 (SLX4 structure-specific endonuclease subunit; minus strand). Cytogenetic location: 16p13.3.
Variant type: single nucleotide variant.
Coding change: c.874G>A on transcript NM_032444.4 (MANE Select); coding-DNA position 874, G replaced by A.
Protein change: p.Gly292Ser; replaces glycine 292 with serine.
Molecular consequence: missense variant.
Genome position (GRCh38, 1-based): chr16:3,602,194, C>T on the plus strand (G>A on the coding strand, the complement: SLX4 is on the minus strand). VCF-style: chr16-3602194-C-T. GRCh37 (hg19) VCF-style: chr16-3652195-C-T.
Other names: short protein forms G292S.
Identifiers: ClinVar variation 1022841 (VCV001022841.6), dbSNP rs780402573, ClinGen allele CA276966813.
Genomic context (GRCh38, chr16:3,602,194, plus strand): 5'-CCCTTCGGGTCACGTTCATGGCTGAGAGGTTCTTTTGACAAATCTGGCAGAAGAACAAAC[C>T]CTTTTCCTCCAGGCTATCATCATGTGCCGATGCTCCTACCCGTGCAAACTCCTGCTGCAG-3'
Protein context (NP_115820.2, residues 282-302): SAHDDSLEEK[Gly292Ser]LFFCQICQKN